The following is an entry in ClinVar:

ClinVar aggregate classification (germline): Pathogenic. Review status: reviewed by expert panel (3 of 4 stars). 3 submissions from 2 submitters: Pathogenic (1). 2 of the submissions do not count toward it. Last evaluated 2016-10-18.

Conditions:
Breast-ovarian cancer, familial, susceptibility to, 1 (BROVCA1). Also called: OVARIAN CANCER, SUSCEPTIBILITY TO; BRCA1 Hereditary Breast and Ovarian Cancer. Identifiers: Orphanet 145, MedGen C2676676, MONDO:0011450, OMIM 604370. Disease mechanism: loss of function.

Submissions (3):

Evidence-based Network for the Interpretation of Germline Mutant Alleles (ENIGMA)
Classification: Pathogenic for Breast-ovarian cancer, familial, susceptibility to, 1. Last evaluated: 2016-10-18. Review status: reviewed by expert panel. Criteria: ENIGMA BRCA1/2 Classification Criteria (2015). Collection method: curation. Allele origin: germline.
Comment: Variant allele predicted to encode a truncated non-functional protein.

Consortium of Investigators of Modifiers of BRCA1/2 (CIMBA), c/o University of Cambridge
Classification: Pathogenic for Breast-ovarian cancer, familial, susceptibility to, 1. Last evaluated: 2015-10-02. Review status: criteria provided, single submitter. Criteria: CIMBA Mutation Classification guidelines May 2016. Collection method: clinical testing. Allele origin: germline. Not counted in ClinVar's aggregate classification.

Evidence-based Network for the Interpretation of Germline Mutant Alleles (ENIGMA)
Classification: Pathogenic for Breast-ovarian cancer, familial, susceptibility to, 1. Last evaluated: 2017-12-15. Review status: flagged submission. Criteria: ENIGMA BRCA1/2 Classification Criteria (2017-06-29). Collection method: curation. Allele origin: germline. Study: ENIGMA. Not counted in ClinVar's aggregate classification.
Comment: the same text as in the submission from Evidence-based Network for the Interpretation of Germline Mutant Alleles (ENIGMA) above.
ClinVar note: Reason: This record appears to be redundant with a more recent record from the same submitter.
ClinVar note: Notes: SCV000783405 appears to be redundant with SCV000323407.

NM_007294.4(BRCA1):c.2155_2221dup (p.Ser741Ter)

Gene: BRCA1 (BRCA1 DNA repair associated; minus strand). Cytogenetic location: 17q21.31.
Variant type: Duplication.
Coding change: c.2155_2221dup on transcript NM_007294.4 (MANE Select); coding-DNA positions 2155 to 2221, 67 bases duplicated.
Protein change: p.Ser741Ter; replaces serine 741 with a stop codon.
Molecular consequence: nonsense. On other transcripts: intron variant (137).
Genome position (GRCh38, 1-based): chr17:43,093,310-43,093,376, 67 bases duplicated. GRCh37 (hg19): chr17:41,245,328-41,245,394.
Other names: 2273_2339dup; c.1942_2008dup, p.Ser670Ter (NM_001407571.1, NM_001407853.1, NM_001407894.1 and 9 more transcripts); c.2155_2221dup, p.Ser741Ter (NM_001407581.1, NM_001407582.1, NM_001407583.1 and 30 more transcripts); c.2152_2218dup, p.Ser740Ter (NM_001407587.1, NM_001407590.1, NM_001407591.1 and 22 more transcripts); c.2146_2212dup, p.Ser738Ter (NM_001407646.1, NM_001407647.1); c.2032_2098dup, p.Ser700Ter (NM_001407648.1, NM_001407664.1, NM_001407665.1 and 19 more transcripts); c.2029_2095dup, p.Ser699Ter (NM_001407649.1, NM_001407670.1, NM_001407671.1 and 11 more transcripts); c.2077_2143dup, p.Ser715Ter (NM_001407653.1, NM_001407654.1, NM_001407655.1 and 4 more transcripts); and 42 more; short protein forms S741*, S694*, S699*, S700*, S715*, S445*, S614*, S630*.
Identifiers: ClinVar variation 266227 (VCV000266227.6), dbSNP rs1555590136, ClinGen allele CA10589871.